The following is an entry in ClinVar:

NM_001145028.2(PALM3):c.2058G>A (p.Ala686=)

Gene: PALM3 (paralemmin 3; minus strand). Cytogenetic location: 19p13.12.
Variant type: single nucleotide variant.
Coding change: c.2058G>A on transcript NM_001145028.2 (MANE Select); coding-DNA position 2058, G replaced by A.
Protein change: p.Ala686=; no amino-acid change (alanine 686 retained).
Molecular consequence: synonymous variant.
Genome position (GRCh38, 1-based): chr19:14,053,614, C>T on the plus strand (G>A on the coding strand, the complement: PALM3 is on the minus strand). VCF-style: chr19-14053614-C-T. GRCh37 (hg19) VCF-style: chr19-14164426-C-T.
Other names: c.1860G>A, p.Ala620= (NM_001367327.1).
Identifiers: ClinVar variation 3904960 (VCV003904960.10).

ClinVar aggregate classification (germline): Likely benign (1 of 4 stars; one submission).

gnomAD v4.1: 7,460 of 1,455,600 alleles (0.51%); highest among the groups gnomAD compares: Non-Finnish European, 0.61%; 19 homozygotes.

Submission:

CeGaT Center for Human Genetics Tuebingen
Classification: Likely benign. Last evaluated: 2025-06-01. Review status: criteria provided, single submitter. Criteria: CeGaT Center For Human Genetics Tuebingen Variant Classification Criteria Version 2. Collection method: clinical testing. Allele origin: germline. Affected: yes. Observed: 1 variant allele.
Comment: PALM3: BP4, BP7, BS2